The following is an entry in ClinVar:

NM_021008.4(DEAF1):c.319G>A (p.Gly107Arg)

Gene: DEAF1 (DEAF1 transcription factor; minus strand). Cytogenetic location: 11p15.5.
Variant type: single nucleotide variant.
Coding change: c.319G>A on transcript NM_021008.4 (MANE Select); coding-DNA position 319, G replaced by A.
Protein change: p.Gly107Arg; replaces glycine 107 with arginine.
Molecular consequence: missense variant. On other transcripts: 5 prime UTR variant (4).
Genome position (GRCh38, 1-based): chr11:691,569, C>T on the plus strand (G>A on the coding strand, the complement: DEAF1 is on the minus strand). VCF-style: chr11-691569-C-T. GRCh37 (hg19) VCF-style: chr11-691569-C-T.
Other names: c.319G>A, p.Gly107Arg (NM_001293634.2, NM_001440883.1, NM_001440884.1); c.-408G>A (NM_001367390.1, NM_001440886.1, NM_001440887.1); c.-278G>A (NM_001440885.1); short protein forms G107R.
Identifiers: ClinVar variation 4880880 (VCV004880880.2).

ClinVar aggregate classification (germline): Uncertain significance (1 of 4 stars; one submission).

Conditions:
Intellectual disability, autosomal dominant 24 (VSVS). Also called: VULTO-VAN SILFHOUT-DE VRIES SYNDROME. Identifiers: MedGen C4014414, MONDO:0014357, OMIM 615828.

Submission:

Dasa
Classification: Uncertain significance for Intellectual disability, autosomal dominant 24. Last evaluated: 2025-08-26. Review status: criteria provided, single submitter. Criteria: DASA Assertion Criteria. Collection method: clinical testing. Allele origin: germline.
Comment: NM_021008.4(DEAF1):c.319G>A (p.Gly107Arg) is a missense variant that results in the substitution of glycine with arginine. This variant is absent from population databases. Computational prediction algorithms are consistent with a benign effect. The currently available literature and clinical evidence are not sufficient to establish a definitive association between this variant and the reported condition. Therefore, this variant is classified as a variant of uncertain significance.